The following is an entry in ClinVar:

ClinVar aggregate classification (germline): Uncertain significance (1 of 4 stars; one submission).

Submission:

Labcorp Genetics (formerly Invitae), Labcorp
Classification: Uncertain significance. Last evaluated: 2024-04-08. Review status: criteria provided, single submitter. Criteria: Invitae Variant Classification Sherloc (09022015). Collection method: clinical testing. Allele origin: germline.
Comment: This sequence change replaces cysteine, which is neutral and slightly polar, with tyrosine, which is neutral and polar, at codon 90 of the MOCS3 protein (p.Cys90Tyr). This variant is not present in population databases (gnomAD no frequency). This variant has not been reported in the literature in individuals affected with MOCS3-related conditions. An algorithm developed to predict the effect of missense changes on protein structure and function (PolyPhen-2) suggests that this variant is likely to be disruptive. In summary, the available evidence is currently insufficient to determine the role of this variant in disease. Therefore, it has been classified as a Variant of Uncertain Significance.

NM_014484.5(MOCS3):c.269G>A (p.Cys90Tyr)

Gene: MOCS3 (molybdenum cofactor synthesis 3; plus strand). Cytogenetic location: 20q13.13.
Variant type: single nucleotide variant.
Coding change: c.269G>A on transcript NM_014484.5 (MANE Select); coding-DNA position 269, G replaced by A.
Protein change: p.Cys90Tyr; replaces cysteine 90 with tyrosine.
Molecular consequence: missense variant.
Genome position (GRCh38, 1-based): chr20:50,959,111, G>A. VCF-style: chr20-50959111-G-A. GRCh37 (hg19) VCF-style: chr20-49575648-G-A.
Other names: short protein forms C90Y.
Identifiers: ClinVar variation 3649153 (VCV003649153.2).